The following is an entry in ClinVar:

ClinVar aggregate classification (germline): Likely benign (1 of 4 stars; one submission).

Conditions:
JAG2-related disorder. Also called: JAG2-related condition.

gnomAD v4.1: 4 of 1,568,452 alleles (0.00026%); highest among the groups gnomAD compares: East Asian, 0.0096%; no homozygotes.

Submission:

PreventionGenetics, part of Exact Sciences
Classification: Likely benign for JAG2-related condition. Last evaluated: 2025-06-06. Review status: criteria provided, single submitter. Criteria: ACMG Guidelines, 2015. Collection method: clinical testing. Allele origin: germline.
Comment: This variant is classified as likely benign based on ACMG/AMP sequence variant interpretation guidelines (Richards et al. 2015 PMID: 25741868, with internal and published modifications).

NM_002226.5(JAG2):c.2874C>T (p.Pro958=)

Gene: JAG2 (jagged canonical Notch ligand 2; minus strand). Cytogenetic location: 14q32.33.
Variant type: single nucleotide variant.
Coding change: c.2874C>T on transcript NM_002226.5 (MANE Select); coding-DNA position 2874, C replaced by T.
Protein change: p.Pro958=; no amino-acid change (proline 958 retained).
Molecular consequence: synonymous variant.
Genome position (GRCh38, 1-based): chr14:105,145,809, G>A on the plus strand (C>T on the coding strand, the complement: JAG2 is on the minus strand). VCF-style: chr14-105145809-G-A. GRCh37 (hg19) VCF-style: chr14-105612146-G-A.
Other names: c.2760C>T, p.Pro920= (NM_145159.3).
Identifiers: ClinVar variation 5002218 (VCV005002218.1).